The following is an entry in ClinVar:

NM_024312.5(GNPTAB):c.117+1G>T

Gene: GNPTAB (N-acetylglucosamine-1-phosphate transferase subunits alpha and beta; minus strand). Cytogenetic location: 12q23.2.
Variant type: single nucleotide variant.
Coding change: c.117+1G>T on transcript NM_024312.5 (MANE Select); the canonical splice donor site of the intron after coding-DNA position 117, G replaced by T.
Molecular consequence: splice donor variant.
Genome position (GRCh38, 1-based): chr12:101,830,558, C>A on the plus strand (G>T on the coding strand, the complement: GNPTAB is on the minus strand). VCF-style: chr12-101830558-C-A. GRCh37 (hg19) VCF-style: chr12-102224336-C-A.
Identifiers: ClinVar variation 659152 (VCV000659152.7), dbSNP rs1324141092, ClinGen allele CA386486861.

ClinVar aggregate classification (germline): Likely pathogenic (1 of 4 stars; one submission).

Conditions:
Mucolipidosis type II. Also called: Mucolipidosis II Alpha/Beta; ML II ALPHA/BETA; Mucolipidosis 2; ML 2; Inclusion cell disease; Leroy Disease. Identifiers: Orphanet 576, MedGen C2673377, MONDO:0009650, OMIM 252500.
Pseudo-Hurler polydystrophy. Also called: MUCOLIPIDOSIS IIIA; ML III; ML III ALPHA/BETA; Type III Mucolipidosis; ML IIIA; Mucolipidosis III Alpha/Beta. Identifiers: Orphanet 423461, Orphanet 577, MedGen C0033788, MONDO:0018931, OMIM 252600.

Allele frequency attached by ClinVar (database versions not stated): gnomAD 0.00001; TOPMed below 0.00001.

Submission:

Labcorp Genetics (formerly Invitae), Labcorp
Classification: Likely pathogenic for Pseudo-Hurler polydystrophy; Mucolipidosis type II. Last evaluated: 2018-10-08. Review status: criteria provided, single submitter. Criteria: Invitae Variant Classification Sherloc (09022015). Collection method: clinical testing. Allele origin: germline.
Comment: This variant has not been reported in the literature in individuals with GNPTAB-related disease. Algorithms developed to predict the effect of sequence changes on RNA splicing suggest that this variant may disrupt the consensus splice site, but this prediction has not been confirmed by published transcriptional studies. Donor and acceptor splice site variants typically lead to a loss of protein function (PMID: 16199547), and loss-of-function variants in GNPTAB are known to be pathogenic (PMID: 19617216, 25107912). In summary, the currently available evidence indicates that the variant is pathogenic, but additional data are needed to prove that conclusively. Therefore, this variant has been classified as Likely Pathogenic. This sequence change affects a donor splice site in intron 1 of the GNPTAB gene. It is expected to disrupt RNA splicing and likely results in an absent or disrupted protein product. This variant is not present in population databases (ExAC no frequency).

Literature cited by the submitters: PubMed 16199547; PubMed 19617216; PubMed 25107912.